The following is an entry in ClinVar:

NM_001379659.1(ZNF142):c.5557G>C (p.Gly1853Arg)

Gene: ZNF142 (zinc finger protein 142; minus strand). Cytogenetic location: 2q35.
Variant type: single nucleotide variant.
Coding change: c.5557G>C on transcript NM_001379659.1 (MANE Select); coding-DNA position 5557, G replaced by C.
Protein change: p.Gly1853Arg; replaces glycine 1853 with arginine.
Molecular consequence: missense variant.
Genome position (GRCh38, 1-based): chr2:218,638,446, C>G on the plus strand (G>C on the coding strand, the complement: ZNF142 is on the minus strand). VCF-style: chr2-218638446-C-G. GRCh37 (hg19) VCF-style: chr2-219503169-C-G.
Other names: c.4957G>C, p.Gly1653Arg (NM_001105537.5, NM_001366291.3, NM_001379662.1); c.4468G>C, p.Gly1490Arg (NM_001366287.3, NM_001366288.3, NM_001366289.3); c.5557G>C, p.Gly1853Arg (NM_001366290.3, NM_001379660.1, NM_001379661.1); short protein forms G1490R, G1653R, G1853R.
Identifiers: ClinVar variation 4282233 (VCV004282233.1).

ClinVar aggregate classification (germline): Uncertain significance (1 of 4 stars; one submission).

gnomAD v4.1: 3 of 1,576,894 alleles (0.00019%); highest among the groups gnomAD compares: Admixed American, 0.0052%; no homozygotes.

Submission:

GeneDx
Classification: Uncertain significance. Last evaluated: 2025-04-18. Review status: criteria provided, single submitter. Criteria: GeneDx Variant Classification Process June 2021. Collection method: clinical testing. Allele origin: germline. Affected: yes.
Comment: Not observed at significant frequency in large population cohorts (gnomAD); In silico analysis supports that this missense variant has a deleterious effect on protein structure/function; Has not been previously published as pathogenic or benign to our knowledge